The following is an entry in ClinVar:

ClinVar aggregate classification (germline): Uncertain significance (1 of 4 stars; one submission).

gnomAD v4.1: 4 of 1,613,938 alleles (0.00025%); highest among the groups gnomAD compares: Non-Finnish European, 0.00034%; no homozygotes.

Submission:

Labcorp Genetics (formerly Invitae), Labcorp
Classification: Uncertain significance. Last evaluated: 2022-07-15. Review status: criteria provided, single submitter. Criteria: Invitae Variant Classification Sherloc (09022015). Collection method: clinical testing. Allele origin: germline.
Comment: In summary, the available evidence is currently insufficient to determine the role of this variant in disease. Therefore, it has been classified as a Variant of Uncertain Significance. Algorithms developed to predict the effect of missense changes on protein structure and function are either unavailable or do not agree on the potential impact of this missense change (SIFT: "Deleterious"; PolyPhen-2: "Probably Damaging"; Align-GVGD: "Class C0"). This variant has not been reported in the literature in individuals affected with KMT2A-related conditions. This variant is not present in population databases (gnomAD no frequency). This sequence change replaces histidine, which is basic and polar, with glutamine, which is neutral and polar, at codon 3764 of the KMT2A protein (p.His3764Gln).

NM_001197104.2(KMT2A):c.11292C>A (p.His3764Gln)

Genes: KMT2A (lysine methyltransferase 2A; plus strand), TTC36-AS1 (TTC36 and KMT2A antisense RNA 1; minus strand). Cytogenetic location: 11q23.3.
Variant type: single nucleotide variant.
Coding change: c.11292C>A on transcript NM_001197104.2 (MANE Select); coding-DNA position 11292, C replaced by A.
Protein change: p.His3764Gln; replaces histidine 3764 with glutamine.
Molecular consequence: missense variant.
Genome position (GRCh38, 1-based): chr11:118,519,763, C>A. VCF-style: chr11-118519763-C-A. GRCh37 (hg19) VCF-style: chr11-118390478-C-A.
Other names: c.11382C>A, p.His3794Gln (NM_001412597.1); c.11283C>A, p.His3761Gln (NM_005933.4); short protein forms H3761Q, H3764Q, H3794Q.
Identifiers: ClinVar variation 1714780 (VCV001714780.5), dbSNP rs371289157, ClinGen allele CA382833100.